The following is an entry in ClinVar:

ClinVar aggregate classification (germline): Uncertain significance (1 of 4 stars; one submission).

Conditions:
VPS13B-related disorder. Also called: VPS13B-related condition.

Submission:

PreventionGenetics, part of Exact Sciences
Classification: Uncertain significance for VPS13B-related condition. Last evaluated: 2025-02-28. Review status: criteria provided, single submitter. Criteria: ACMG Guidelines, 2015. Collection method: clinical testing. Allele origin: germline.
Comment: The VPS13B c.3950G>A variant is predicted to result in the amino acid substitution p.Gly1317Glu. To our knowledge, this variant has not been reported in the literature or in a large population database (gnomAD), indicating this variant is rare. At this time, the clinical significance of this variant is uncertain due to the absence of conclusive functional and genetic evidence.

NM_152564.5(VPS13B):c.3950G>A (p.Gly1317Glu)

Gene: VPS13B (vacuolar protein sorting 13 homolog B; plus strand). Cytogenetic location: 8q22.2.
Variant type: single nucleotide variant.
Coding change: c.3950G>A on transcript NM_152564.5 (MANE Select); coding-DNA position 3950, G replaced by A.
Protein change: p.Gly1317Glu; replaces glycine 1317 with glutamic acid.
Molecular consequence: missense variant.
Genome position (GRCh38, 1-based): chr8:99,501,766, G>A. VCF-style: chr8-99501766-G-A. GRCh37 (hg19) VCF-style: chr8-100513994-G-A.
Other names: c.3950G>A, p.Gly1317Glu (NM_017890.5); short protein forms G1317E.
Identifiers: ClinVar variation 5001924 (VCV005001924.1).